The following is an entry in ClinVar:

NM_000516.7(GNAS):c.476T>C (p.Val159Ala)

Gene: GNAS (GNAS complex locus; plus strand). Cytogenetic location: 20q13.32.
Variant type: single nucleotide variant.
Coding change: c.476T>C on transcript NM_000516.7 (MANE Select); coding-DNA position 476, T replaced by C.
Protein change: p.Val159Ala; replaces valine 159 with alanine.
Molecular consequence: missense variant. On other transcripts: 3 prime UTR variant (2).
Genome position (GRCh38, 1-based): chr20:58,905,426, T>C. VCF-style: chr20-58905426-T-C. GRCh37 (hg19) VCF-style: chr20-57480481-T-C.
Other names: c.479T>C, p.Val160Ala (NM_001077488.5); c.431T>C, p.Val144Ala (NM_001077489.4); c.*337T>C (NM_001077490.3); c.299T>C, p.Val100Ala (NM_001309840.2, NM_001309861.2); c.380T>C, p.Val127Ala (NM_001410912.1); c.2360T>C, p.Val787Ala (NM_001410913.1); c.*382T>C (NM_016592.5); c.2405T>C, p.Val802Ala (NM_080425.4); and 1 more; short protein forms V100A, V127A, V144A, V145A, V159A, V160A, V787A, V802A.
Identifiers: ClinVar variation 3377298 (VCV003377298.1).

ClinVar aggregate classification (germline): Pathogenic (1 of 4 stars; one submission).

Conditions:
Pseudohypoparathyroidism type I A (PHP1A). Also called: PHP IA; Pseudohypoparathyroidism type 1A; ALBRIGHT HEREDITARY OSTEODYSTROPHY WITH MULTIPLE HORMONE RESISTANCE; Pseudohypoparathyroidism Type IA; Pseudohypoparathyroidism Ia (PHP-Ia). Identifiers: Orphanet 79443, MedGen C3494506, MONDO:0007078, OMIM 103580.

Submission:

Victorian Clinical Genetics Services, Murdoch Childrens Research Institute
Classification: Pathogenic for Pseudohypoparathyroidism type I A. Last evaluated: 2024-10-10. Review status: criteria provided, single submitter. Criteria: ACMG Guidelines, 2015. Collection method: clinical testing. Allele origin: germline. Inheritance: Autosomal dominant inheritance. Affected: yes.
Comment: Based on the classification scheme VCGS_Germline_v1.3.5, this variant is classified as Pathogenic. Following criteria are met: 0103 - Loss of function and gain of function are known mechanisms of disease in this gene. Loss-of-function has been associated with the hypoparathyroidism phenotypes (PMID: 10980525), while gain-of-function has been reported for somatic variants in cancers (PMID: 11588148). (I) 0107 - This gene is associated with autosomal dominant disease. (I) 0113 - This gene is known to be imprinted (OMIM; PMID: 10980525). (I) 0115 - Variants in this gene are known to have variable expressivity. Although some probands diagnosed with a disorder of GNAS inactivation have an affected parent, the family history may appear to be negative because of failure to recognize the disorder in other family members (PMID: 29072892). (I) 0200 - Variant is predicted to result in a missense amino acid change from valine to alanine. (I) 0251 - This variant is heterozygous. (I) 0301 - Variant is absent from gnomAD (v2, v3 and v4). (SP) 0501 - Missense variant consistently predicted to be damaging by multiple in silico tools or highly conserved with a major amino acid change. (SP) 0603 - Missense variant in a region that is highly intolerant to missense variation (high constraint region in DECIPHER). (SP) 0708 - Other missense variants comparable to the one identified in this case have conflicting previous evidence for pathogenicity. Two alternative changes have been reported. p.(Val159Glu) has been reported once as a VUS by a clinical laboratory in ClinVar. p.(Val159Met) has been reported in two individuals with GNAS-related features (PMIDs: 11788646, 23281139). (I) 0801 - This variant has strong previous evidence of pathogenicity in unrelated individuals. This variant has been reported as de novo in two individuals with GNAS-related features (PMIDs: 21910239, 29620724). (SP) 0905 - No published segregation evidence has been identified for this variant. (I) 1007 - No published functional evidence has been identified for this variant. (I) 1208 - Inheritance information for this variant is not currently available in this individual. (I) Legend: (SP) - Supporting pathogenic, (I) - Information, (SB) - Supporting benign

Literature cited by the submitters: PubMed 10980525; PubMed 11588148; PubMed 11788646; PubMed 21910239; PubMed 23281139; PubMed 29072892; PubMed 29620724.